The following is an entry in ClinVar:

ClinVar aggregate classification (germline): Uncertain significance (1 of 4 stars; one submission).

Submission:

GeneDx
Classification: Uncertain significance. Last evaluated: 2026-03-19. Review status: criteria provided, single submitter. Criteria: GeneDx Variant Classification Process June 2021. Collection method: clinical testing. Allele origin: germline.
Comment: Not observed at significant frequency in large population cohorts (gnomAD); In silico analysis suggests that this missense variant does not alter protein structure/function; Has not been previously published as pathogenic or benign to our knowledge

NM_001148.6(ANK2):c.4672G>A (p.Asp1558Asn)

Gene: ANK2 (ankyrin 2; plus strand). Cytogenetic location: 4q26.
Variant type: single nucleotide variant.
Coding change: c.4672G>A on transcript NM_001148.6 (MANE Select); coding-DNA position 4672, G replaced by A.
Protein change: p.Asp1558Asn; replaces aspartic acid 1558 with asparagine.
Molecular consequence: missense variant. On other transcripts: intron variant (68).
Genome position (GRCh38, 1-based): chr4:113,353,290, G>A. VCF-style: chr4-113353290-G-A. GRCh37 (hg19) VCF-style: chr4-114274446-G-A.
Other names: c.4438G>A, p.Asp1480Asn (NM_001386142.1); c.1072G>A, p.Asp358Asn (NM_001386166.1); c.4813G>A, p.Asp1605Asn (NM_001386174.1); c.4789G>A, p.Asp1597Asn (NM_001386175.1); c.4411+3041G>A (NM_001386186.2, NM_001386148.2); c.4213+3041G>A (NM_001354269.3); c.4291+3041G>A (NM_001386187.2); c.4252+3041G>A (NM_001386147.1); and 35 more; short protein forms D1558N, D1480N, D1597N, D1605N, D358N.
Identifiers: ClinVar variation 5009322 (VCV005009322.1).